The following is an entry in ClinVar:

ClinVar aggregate classification (germline): Conflicting classifications of pathogenicity. Review status: criteria provided, conflicting classifications (1 of 4 stars). 4 submissions from 3 submitters: Uncertain significance (3); Benign (1). Last evaluated 2022-07-01.

Conditions:
Dilated cardiomyopathy 1R (CMD1R). Identifiers: Orphanet 154, Orphanet 54260, MedGen C3150681, MONDO:0013261, OMIM 613424.
Hypertrophic cardiomyopathy 11. Also called: ACTC1-Related Familial Hypertrophic Cardiomyopathy. Identifiers: MedGen C2677506, MONDO:0012799, OMIM 612098.

Allele frequency attached by ClinVar (database versions not stated): gnomAD 0.00312 and 0.00297; 1000 Genomes Project 30x 0.00328; 1000 Genomes Project 0.00339; TOPMed 0.00368.

Submissions (4):

CeGaT Center for Human Genetics Tuebingen
Classification: Benign. Last evaluated: 2022-07-01. Review status: criteria provided, single submitter. Criteria: CeGaT Center For Human Genetics Tuebingen Variant Classification Criteria Version 2. Collection method: clinical testing. Allele origin: germline. Affected: yes. Observed: 2 variant alleles.
Comment: ACTC1: BS1, BS2

Illumina Laboratory Services, Illumina
Classification: Uncertain significance for Hypertrophic cardiomyopathy 11. Last evaluated: 2018-01-12. Review status: criteria provided, single submitter. Criteria: ICSL Variant Classification Criteria 13 December 2019. Collection method: clinical testing. Allele origin: germline.

Illumina Laboratory Services, Illumina
Classification: Uncertain significance for Dilated cardiomyopathy 1R. Last evaluated: 2018-01-12. Review status: criteria provided, single submitter. Criteria: ICSL Variant Classification Criteria 13 December 2019. Collection method: clinical testing. Allele origin: germline.

Breakthrough Genomics
Classification: Uncertain significance. Review status: criteria provided, single submitter. Criteria: ACMG Guidelines, 2015. Collection method: not provided. Allele origin: germline. Inheritance: Autosomal dominant inheritance. Affected: yes.

NM_005159.4(ACTC1):c.*1219C>T

Genes: ACTC1 (actin alpha cardiac muscle 1; minus strand), GJD2-DT (GJD2 divergent transcript; plus strand). Cytogenetic location: 15q14.
Variant type: single nucleotide variant.
Coding change: c.*1219C>T on transcript NM_005159.4; 1219 bases downstream of the stop codon, C replaced by T.
Genome position (GRCh38, 1-based): chr15:34,789,193, G>A on the plus strand (C>T on the coding strand, the complement: ACTC1 is on the minus strand). VCF-style: chr15-34789193-G-A. GRCh37 (hg19) VCF-style: chr15-35081394-G-A.
Identifiers: ClinVar variation 315662 (VCV000315662.36), dbSNP rs139559367, ClinGen allele CA10635851.
Genomic context (GRCh38, chr15:34,789,193, plus strand): 5'-ATTCAATTAAGTCTATTCAAACACTTCTGTGAATGCTAACAGTTCACTGGCAATTAATTT[G>A]AAAACAAAAATCTGTAAGGCTTCTGCAATCTAGTTGAAATCTACCTTTCCCAGTGGATTT-3'